The following is an entry in ClinVar:

ClinVar aggregate classification (germline): Uncertain significance (1 of 4 stars; one submission).

Conditions:
Majeed syndrome (MJDS). Also called: CHRONIC RECURRENT MULTIFOCAL OSTEOMYELITIS 1, WITH CONGENITAL DYSERYTHROPOIETIC ANEMIA, WITH OR WITHOUT NEUTROPHILIC DERMATOSIS; LPIN2-Related Majeed Syndrome. Identifiers: Orphanet 77297, MedGen C1864997, MONDO:0012316, OMIM 609628.

gnomAD v4.1: 3 of 1,614,034 alleles (0.00019%); highest among the groups gnomAD compares: East Asian, 0.0022%; no homozygotes.

Submission:

Labcorp Genetics (formerly Invitae), Labcorp
Classification: Uncertain significance for Majeed syndrome. Last evaluated: 2024-10-23. Review status: criteria provided, single submitter. Criteria: Invitae Variant Classification Sherloc (09022015). Collection method: clinical testing. Allele origin: germline.
Comment: This sequence change replaces lysine, which is basic and polar, with arginine, which is basic and polar, at codon 866 of the LPIN2 protein (p.Lys866Arg). This variant is present in population databases (rs775837826, gnomAD 0.006%). This variant has not been reported in the literature in individuals affected with LPIN2-related conditions. Invitae Evidence Modeling of protein sequence and biophysical properties (such as structural, functional, and spatial information, amino acid conservation, physicochemical variation, residue mobility, and thermodynamic stability) indicates that this missense variant is not expected to disrupt LPIN2 protein function with a negative predictive value of 80%. Algorithms developed to predict the effect of sequence changes on RNA splicing suggest that this variant may disrupt the consensus splice site. In summary, the available evidence is currently insufficient to determine the role of this variant in disease. Therefore, it has been classified as a Variant of Uncertain Significance.

NM_001375808.2(LPIN2):c.2597A>G (p.Lys866Arg)

Gene: LPIN2 (lipin 2; minus strand). Cytogenetic location: 18p11.31.
Variant type: single nucleotide variant.
Coding change: c.2597A>G on transcript NM_001375808.2 (MANE Select); coding-DNA position 2597, A replaced by G.
Protein change: p.Lys866Arg; replaces lysine 866 with arginine.
Molecular consequence: missense variant.
Genome position (GRCh38, 1-based): chr18:2,920,387, T>C on the plus strand (A>G on the coding strand, the complement: LPIN2 is on the minus strand). VCF-style: chr18-2920387-T-C. GRCh37 (hg19) VCF-style: chr18-2920385-T-C.
Other names: c.2597A>G, p.Lys866Arg (NM_001375809.1, NM_014646.2); short protein forms K866R.
Identifiers: ClinVar variation 3707020 (VCV003707020.2).